The following is an entry in ClinVar:

ClinVar aggregate classification (germline): Benign (0 of 4 stars; one submission).

Conditions:
ACVR1C-related disorder. Also called: ACVR1C-related condition.

Allele frequency attached by ClinVar (database versions not stated): gnomAD exomes 0.00109; ExAC 0.00272; gnomAD 0.00655; 1000 Genomes Project 0.00699; 1000 Genomes Project 30x 0.00703; TOPMed 0.00717; ESP Exome Variant Server 0.00723.
gnomAD v4.1: 2,688 of 1,614,060 alleles (0.17%); highest among the groups gnomAD compares: African/African-American, 2.1%; 22 homozygotes.

Submission:

PreventionGenetics, part of Exact Sciences
Classification: Benign for ACVR1C-related condition. Last evaluated: 2019-06-21. Review status: no assertion criteria provided. Collection method: clinical testing. Allele origin: germline.
Comment: This variant is classified as benign based on ACMG/AMP sequence variant interpretation guidelines (Richards et al. 2015 PMID: 25741868, with internal and published modifications).

NM_145259.3(ACVR1C):c.450T>C (p.Asn150=)

Gene: ACVR1C (activin A receptor type 1C; minus strand). Cytogenetic location: 2q24.1.
Variant type: single nucleotide variant.
Coding change: c.450T>C on transcript NM_145259.3 (MANE Select); coding-DNA position 450, T replaced by C.
Protein change: p.Asn150=; no amino-acid change (asparagine 150 retained).
Molecular consequence: synonymous variant. On other transcripts: intron variant (2).
Genome position (GRCh38, 1-based): chr2:157,556,187, A>G on the plus strand (T>C on the coding strand, the complement: ACVR1C is on the minus strand). VCF-style: chr2-157556187-A-G. GRCh37 (hg19) VCF-style: chr2-158412699-A-G.
Other names: c.300T>C, p.Asn100= (NM_001111031.2); c.305-11575T>C (NM_001111033.2); c.305-5795T>C (NM_001111032.2).
Identifiers: ClinVar variation 3042634 (VCV003042634.2), dbSNP rs35529926, ClinGen allele CA1918803.